The following is an entry in ClinVar:

NM_025114.4(CEP290):c.5341G>A (p.Asp1781Asn)

Gene: CEP290 (centrosomal protein 290; minus strand). Cytogenetic location: 12q21.32.
Variant type: single nucleotide variant.
Coding change: c.5341G>A on transcript NM_025114.4 (MANE Select); coding-DNA position 5341, G replaced by A.
Protein change: p.Asp1781Asn; replaces aspartic acid 1781 with asparagine.
Molecular consequence: missense variant.
Genome position (GRCh38, 1-based): chr12:88,079,115, C>T on the plus strand (G>A on the coding strand, the complement: CEP290 is on the minus strand). VCF-style: chr12-88079115-C-T. GRCh37 (hg19) VCF-style: chr12-88472892-C-T.
Other names: short protein forms D1781N.
Identifiers: ClinVar variation 2039998 (VCV002039998.3), dbSNP rs773445041, ClinGen allele CA241154050.
Genomic context (GRCh38, chr12:88,079,115, plus strand): 5'-CAGAAATTTTGTTACATTAACACGTGTTGATGTTCACCTTTAGCTCTCTAGTATGTCGAT[C>T]AACGATTTGTTGAACATTGAGATGGGCCTCTTTTTGAGAAGTTGCAGAAATAATACGTTC-3'
Protein context (NP_079390.3, residues 1771-1791): EAHLNVQQIV[Asp1781Asn]RHTRELKTQV

ClinVar aggregate classification (germline): Uncertain significance (1 of 4 stars; one submission).

Conditions:
Joubert syndrome. Also called: CEREBELLOPARENCHYMAL DISORDER IV; JOUBERT-BOLTSHAUSER SYNDROME; Familial aplasia of the vermis. Identifiers: Orphanet 475, MedGen C5979921, MONDO:0018772.
Nephronophthisis. Also called: Juvenile Nephronophthisis. Identifiers: Orphanet 655, MedGen C0687120, MONDO:0019005, HP:0000090.
Meckel-Gruber syndrome. Also called: DYSENCEPHALIA SPLANCHNOCYSTICA; GRUBER SYNDROME; Dysencephalia splachnocystica. Identifiers: Orphanet 564, MedGen C0265215, MONDO:0018921.

Allele frequency attached by ClinVar (database versions not stated): gnomAD 0.00001.
gnomAD v4.1: 3 of 1,591,730 alleles (0.00019%); highest among the groups gnomAD compares: Admixed American, 0.0036%; no homozygotes.

Submission:

Labcorp Genetics (formerly Invitae), Labcorp
Classification: Uncertain significance for Joubert syndrome; Meckel-Gruber syndrome; Nephronophthisis. Last evaluated: 2024-11-05. Review status: criteria provided, single submitter. Criteria: Invitae Variant Classification Sherloc (09022015). Collection method: clinical testing. Allele origin: germline.
Comment: This sequence change replaces aspartic acid, which is acidic and polar, with asparagine, which is neutral and polar, at codon 1781 of the CEP290 protein (p.Asp1781Asn). This variant is present in population databases (no rsID available, gnomAD 0.003%). This variant has not been reported in the literature in individuals affected with CEP290-related conditions. ClinVar contains an entry for this variant (Variation ID: 2039998). Invitae Evidence Modeling of protein sequence and biophysical properties (such as structural, functional, and spatial information, amino acid conservation, physicochemical variation, residue mobility, and thermodynamic stability) indicates that this missense variant is expected to disrupt CEP290 protein function with a positive predictive value of 80%. In summary, the available evidence is currently insufficient to determine the role of this variant in disease. Therefore, it has been classified as a Variant of Uncertain Significance.